The following is an entry in ClinVar:

NM_177977.3(HAP1):c.550-3dup

Gene: HAP1 (huntingtin associated protein 1; minus strand). Cytogenetic location: 17q21.2.
Variant type: Duplication.
Coding change: c.550-3dup on transcript NM_177977.3 (MANE Select); 3 bases into the intron before coding-DNA position 550, one base duplicated (C; older notation c.550-3dupC).
Molecular consequence: intron variant.
Genome position (GRCh38, 1-based): chr17:41,732,397, G duplicated on the plus strand (C on the coding strand, the reverse complement: HAP1 is on the minus strand); the first of 7 consecutive G bases (chr17:41,732,397-41,732,403); duplicating any one gives the same sequence. VCF-style (leftmost placement, unchanged base first): chr17-41732396-T-TG. GRCh37 (hg19) VCF-style: chr17-39888648-T-TG.
Other names: c.550-3dup (NM_001367462.1, NM_001367461.1, NM_001367460.1 and 2 more transcripts); c.574-3dup (NM_001079870.1).
Identifiers: ClinVar variation 3038524 (VCV003038524.2), dbSNP rs781903588, ClinGen allele CA8564744.
Genomic context (GRCh38, chr17:41,732,396, plus strand): 5'-TCCCTCTCTCTCTGCAGGACCATCCCATAGGTAACGCTCTCCCAGACAGGTGGGAGAAGC[T>TG]GGGGGGGACACAGGGGTCAGAGAGAGGCTAGGCCCCTAAGAGAACCTTCCCCATCCCCTA-3'

ClinVar aggregate classification (germline): Likely benign (0 of 4 stars; one submission).

Conditions:
HAP1-related disorder. Also called: HAP1-related condition.

Submission:

PreventionGenetics, part of Exact Sciences
Classification: Likely benign for HAP1-related condition. Last evaluated: 2019-05-21. Review status: no assertion criteria provided. Collection method: clinical testing. Allele origin: germline.
Comment: This variant is classified as likely benign based on ACMG/AMP sequence variant interpretation guidelines (Richards et al. 2015 PMID: 25741868, with internal and published modifications).